The following is an entry in ClinVar:

ClinVar aggregate classification (germline): Benign/Likely benign. Review status: criteria provided, single submitter (1 of 4 stars). 2 submissions from 1 submitter: Benign (1); Likely benign (1). Last evaluated 2018-01-12.

Conditions:
Sacral defect with anterior meningocele. Identifiers: MedGen C1838568, OMIM 600145.
Neural tube defect (NTD). Also called: Neural tube defects. Identifiers: Orphanet 3388, Orphanet 823, MedGen C0027794, MONDO:0018075, HP:0045005.

Allele frequency attached by ClinVar (database versions not stated): 1000 Genomes Project 0.01398; 1000 Genomes Project 30x 0.01421; gnomAD 0.01497 and 0.01618; TOPMed 0.01747.

Submissions (2):

Illumina Laboratory Services, Illumina
Classification: Likely benign for Neural tube defects, susceptibility to. Last evaluated: 2018-01-12. Review status: criteria provided, single submitter. Criteria: ICSL Variant Classification Criteria 13 December 2019. Collection method: clinical testing. Allele origin: germline.
Comment: This variant was observed in the ICSL laboratory as part of a predisposition screen in an ostensibly healthy population. It had not been previously curated by ICSL or reported in the Human Gene Mutation Database (HGMD: prior to June 1st, 2018), and was therefore a candidate for classification through an automated scoring system. Utilizing variant allele frequency, disease prevalence and penetrance estimates, and inheritance mode, an automated score was calculated to assess if this variant is too frequent to cause the disease. Based on the score and internal cut-off values, a variant classified as likely benign is not then subjected to further curation. The score for this variant resulted in a classification of likely benign for this disease.

Illumina Laboratory Services, Illumina
Classification: Benign for Sacral defect with anterior meningocele. Last evaluated: 2018-01-12. Review status: criteria provided, single submitter. Criteria: ICSL Variant Classification Criteria 13 December 2019. Collection method: clinical testing. Allele origin: germline.
Comment: This variant was observed in the ICSL laboratory as part of a predisposition screen in an ostensibly healthy population. It had not been previously curated by ICSL or reported in the Human Gene Mutation Database (HGMD: prior to June 1st, 2018), and was therefore a candidate for classification through an automated scoring system. Utilizing variant allele frequency, disease prevalence and penetrance estimates, and inheritance mode, an automated score was calculated to assess if this variant is too frequent to cause the disease. Based on the score and internal cut-off values, a variant classified as benign is not then subjected to further curation. The score for this variant resulted in a classification of benign for this disease.

NM_138959.3(VANGL1):c.*3544C>T

Gene: VANGL1 (VANGL planar cell polarity protein 1; plus strand). Cytogenetic location: 1p13.1.
Variant type: single nucleotide variant.
Coding change: c.*3544C>T on transcript NM_138959.3 (MANE Select); 3544 bases downstream of the stop codon, C replaced by T.
Molecular consequence: 3 prime UTR variant.
Genome position (GRCh38, 1-based): chr1:115,694,923, C>T. VCF-style: chr1-115694923-C-T. GRCh37 (hg19) VCF-style: chr1-116237544-C-T.
Other names: c.*3544C>T (NM_001172411.2, NM_001172412.2).
Identifiers: ClinVar variation 292068 (VCV000292068.5), dbSNP rs74117023, ClinGen allele CA10607426.